The following is an entry in ClinVar:

ClinVar aggregate classification (germline): Conflicting classifications of pathogenicity. Review status: criteria provided, conflicting classifications (1 of 4 stars). 11 submissions from 11 submitters: Uncertain significance (1); Benign (1); Likely benign (9). Last evaluated 2026-01-19.

Conditions:
TSC2-related disorder. Also called: TSC2-related condition; TSC2-Related Disorders.
Hereditary cancer-predisposing syndrome. Also called: Neoplastic Syndromes, Hereditary; Tumor predisposition; Hereditary Cancer Syndrome; Hereditary neoplastic syndrome. Identifiers: Orphanet 140162, MedGen C0027672, MeSH D009386, MONDO:0015356.
Tuberous sclerosis syndrome (TSC). Also called: Tuberous Sclerosis Complex; Tuberous sclerosis. Identifiers: Orphanet 805, MedGen C0041341, MONDO:0001734.
Tuberous sclerosis 2 (TSC2). Identifiers: Orphanet 805, MedGen C1860707, MONDO:0013199, OMIM 613254.

Allele frequency attached by ClinVar (database versions not stated): gnomAD exomes 0.00002 and 0.00005; ExAC 0.00008; gnomAD 0.00012 and 0.00014; TOPMed 0.00020.
gnomAD v4.1: 55 of 1,600,156 alleles (0.0034%); highest among the groups gnomAD compares: African/African-American, 0.052%; no homozygotes.

Submissions (11):

Labcorp Genetics (formerly Invitae), Labcorp
Classification: Likely benign for Tuberous sclerosis 2. Last evaluated: 2026-01-19. Review status: criteria provided, single submitter. Criteria: Invitae Variant Classification Sherloc (09022015). Collection method: clinical testing. Allele origin: germline.

PreventionGenetics, part of Exact Sciences
Classification: Likely benign for TSC2-related condition. Last evaluated: 2025-10-22. Review status: criteria provided, single submitter. Criteria: ACMG Guidelines, 2015. Collection method: clinical testing. Allele origin: germline.
Comment: This variant is classified as likely benign based on ACMG/AMP sequence variant interpretation guidelines (Richards et al. 2015 PMID: 25741868, with internal and published modifications).

Women's Health and Genetics/Laboratory Corporation of America, LabCorp
Classification: Likely benign. Last evaluated: 2025-05-20. Review status: criteria provided, single submitter. Criteria: LabCorp Variant Classification Summary - May 2015. Collection method: clinical testing. Allele origin: germline.
Comment: Variant summary: TSC2 c.3379C>T (p.Arg1127Trp) results in a non-conservative amino acid change in the encoded protein sequence. Algorithms developed to predict the effect of missense changes on protein structure and function all suggest that this variant is likely to be disruptive. The variant allele was found at a frequency of 5.9e-05 in 252712 control chromosomes, predominantly at a frequency of 0.00054 within the African or African-American subpopulation in the gnomAD database. The observed variant frequency within African or African-American control individuals in the gnomAD database is approximately 7.85 fold of the estimated maximal expected allele frequency for a pathogenic variant in TSC2 causing Tuberous Sclerosis Complex phenotype (6.9e-05). c.3379C>T has been observed in individuals affected with Tuberous Sclerosis Complex (e.g. Hu_2014, Shin_2024). These reports do not provide unequivocal conclusions about association of the variant with Tuberous Sclerosis Complex. To our knowledge, no experimental evidence demonstrating an impact on protein function has been reported. The following publications have been ascertained in the context of this evaluation (PMID: 24770934, 39110368). ClinVar contains an entry for this variant (Variation ID: 406072). Based on the evidence outlined above, the variant was classified as likely benign.

Ambry Genetics
Classification: Likely benign for Hereditary cancer-predisposing syndrome. Last evaluated: 2025-03-26. Review status: criteria provided, single submitter. Criteria: Ambry Variant Classification Scheme 2023. Collection method: clinical testing. Allele origin: germline.

All of Us Research Program, National Institutes of Health
Classification: Likely benign for Tuberous sclerosis syndrome. Last evaluated: 2024-09-23. Review status: criteria provided, single submitter. Criteria: ACMG Guidelines, 2015. Collection method: clinical testing. Allele origin: germline. Inheritance: Autosomal dominant inheritance. Observed: 15 variant alleles, 15 heterozygotes.
Comment: This study involves interpretation of variants in research participants for the purpose of population health screening. Participant phenotype was not available at the time of variant classification. Additional details can be found in publication PMID: 35346344, PMCID: PMC8962531

Myriad Genetics, Inc.
Classification: Likely benign for Tuberous sclerosis 2. Last evaluated: 2024-08-06. Review status: criteria provided, single submitter. Criteria: Myriad Autosomal Dominant, Autosomal Recessive and X-Linked Classification Criteria (2023). Collection method: clinical testing. Allele origin: unknown.
Comment: This variant is considered likely benign. This variant has been observed at a population frequency that is significantly greater than expected given the associated disease prevalence and penetrance.

Color Diagnostics, LLC DBA Color Health
Classification: Likely benign for Tuberous sclerosis syndrome. Last evaluated: 2022-08-03. Review status: criteria provided, single submitter. Criteria: ACMG Guidelines, 2015. Collection method: clinical testing. Allele origin: germline.

Revvity Omics, Revvity
Classification: Uncertain significance for Tuberous sclerosis 2. Last evaluated: 2022-04-02. Review status: criteria provided, single submitter. Criteria: ACMG Guidelines, 2015. Collection method: clinical testing. Allele origin: germline.

Sema4
Classification: Likely benign for Hereditary cancer-predisposing syndrome. Last evaluated: 2021-11-30. Review status: criteria provided, single submitter. Criteria: Sema4 Curation Guidelines. Collection method: curation. Allele origin: germline.

Genome-Nilou Lab
Classification: Likely benign for Tuberous sclerosis 2. Last evaluated: 2021-11-07. Review status: criteria provided, single submitter. Criteria: ACMG Guidelines, 2015. Collection method: clinical testing. Allele origin: germline. Affected: no.

GeneDx
Classification: Benign. Last evaluated: 2020-05-08. Review status: criteria provided, single submitter. Criteria: GeneDx Variant Classification Process June 2021. Collection method: clinical testing. Allele origin: germline. Affected: yes.
Comment: In silico analysis supports that this missense variant has a deleterious effect on protein structure/function; This variant is associated with the following publications: (PMID: 24770934)

Literature cited by the submitters: PubMed 24770934 (cited by Women's Health and Genetics/Laboratory Corporation of America, LabCorp and Sema4); PubMed 39110368 (cited by Women's Health and Genetics/Laboratory Corporation of America, LabCorp).

NM_000548.5(TSC2):c.3379C>T (p.Arg1127Trp)

Gene: TSC2 (TSC complex subunit 2; plus strand). Cytogenetic location: 16p13.3.
Variant type: single nucleotide variant.
Coding change: c.3379C>T on transcript NM_000548.5 (MANE Select); coding-DNA position 3379, C replaced by T.
Protein change: p.Arg1127Trp; replaces arginine 1127 with tryptophan.
Molecular consequence: missense variant.
Genome position (GRCh38, 1-based): chr16:2,079,651, C>T. VCF-style: chr16-2079651-C-T. GRCh37 (hg19) VCF-style: chr16-2129652-C-T.
Other names: c.3379C>T (NM_000548.4); c.3247C>T, p.Arg1083Trp (NM_001077183.3, NM_001370404.1); c.3379C>T, p.Arg1127Trp (NM_001114382.3); c.3139C>T, p.Arg1047Trp (NM_001318827.2); c.3103C>T, p.Arg1035Trp (NM_001318829.2); c.2647C>T, p.Arg883Trp (NM_001318831.2); c.3280C>T, p.Arg1094Trp (NM_001318832.2); c.3250C>T, p.Arg1084Trp (NM_001363528.2, NM_001370405.1, NM_021055.3); short protein forms R1127W, R1035W, R1084W, R1083W, R1094W, R883W, R1047W.
Identifiers: ClinVar variation 406072 (VCV000406072.30), dbSNP rs373939435, ClinGen allele CA046408.
Genomic context (GRCh38, chr16:2,079,651, plus strand): 5'-GAGGCGCCGGCCAAGCTGGAGTCCCAGGCTGGGCAGCAGGTGTCCCGTGGGGCCCGGGAT[C>T]GGGTCCGTTCCATGTCGGGTGAGCCTTGGCCCCAGCCACCTCCACACAGGCACCGGGGCT-3'
Protein context (NP_000539.2, residues 1117-1137): GQQVSRGARD[Arg1127Trp]VRSMSGGHGL